The following is an entry in ClinVar:

ClinVar aggregate classification (germline): Uncertain significance (1 of 4 stars; one submission).

Submission:

Labcorp Genetics (formerly Invitae), Labcorp
Classification: Uncertain significance. Last evaluated: 2025-11-12. Review status: criteria provided, single submitter. Criteria: Invitae Variant Classification Sherloc (09022015). Collection method: clinical testing. Allele origin: germline.
Comment: This sequence change replaces phenylalanine, which is neutral and non-polar, with leucine, which is neutral and non-polar, at codon 297 of the CANT1 protein (p.Phe297Leu). This variant is not present in population databases (gnomAD no frequency). This variant has not been reported in the literature in individuals affected with CANT1-related conditions. Invitae Evidence Modeling of protein sequence and biophysical properties (such as structural, functional, and spatial information, amino acid conservation, physicochemical variation, residue mobility, and thermodynamic stability) indicates that this missense variant is expected to disrupt CANT1 protein function with a positive predictive value of 95%. In summary, the available evidence is currently insufficient to determine the role of this variant in disease. Therefore, it has been classified as a Variant of Uncertain Significance.

NM_001159773.2(CANT1):c.891C>A (p.Phe297Leu)

Gene: CANT1 (calcium activated nucleotidase 1; minus strand). Cytogenetic location: 17q25.3.
Variant type: single nucleotide variant.
Coding change: c.891C>A on transcript NM_001159773.2 (MANE Select); coding-DNA position 891, C replaced by A.
Protein change: p.Phe297Leu; replaces phenylalanine 297 with leucine.
Molecular consequence: missense variant.
Genome position (GRCh38, 1-based): chr17:78,993,865, G>T on the plus strand (C>A on the coding strand, the complement: CANT1 is on the minus strand). VCF-style: chr17-78993865-G-T. GRCh37 (hg19) VCF-style: chr17-76989947-G-T.
Other names: c.891C>A, p.Phe297Leu (NM_001159772.2, NM_138793.4); short protein forms F297L.
Identifiers: ClinVar variation 4747028 (VCV004747028.1).